The following is an entry in ClinVar:

ClinVar aggregate classification (germline): Conflicting classifications of pathogenicity. Review status: criteria provided, conflicting classifications (1 of 4 stars). 3 submissions from 3 submitters: Uncertain significance (1); Likely benign (1). 1 of the submissions does not count toward it. Last evaluated 2024-10-21.

Conditions:
WRN-related disorder. Also called: WRN-related condition.
Werner syndrome (WRN). Identifiers: Orphanet 902, MedGen C0043119, MONDO:0010196, OMIM 277700.

Allele frequency attached by ClinVar (database versions not stated): TOPMed 0.00002; ExAC 0.00001; gnomAD exomes 0.00001; gnomAD 0.00003.
gnomAD v4.1: 23 of 1,611,022 alleles (0.0014%); highest among the groups gnomAD compares: Admixed American, 0.005%; no homozygotes.

Submissions (3):

Labcorp Genetics (formerly Invitae), Labcorp
Classification: Likely benign for Werner syndrome. Last evaluated: 2024-10-21. Review status: criteria provided, single submitter. Criteria: Invitae Variant Classification Sherloc (09022015). Collection method: clinical testing. Allele origin: germline.

Illumina Laboratory Services, Illumina
Classification: Uncertain significance for Werner syndrome. Last evaluated: 2018-01-13. Review status: criteria provided, single submitter. Criteria: ICSL Variant Classification Criteria 13 December 2019. Collection method: clinical testing. Allele origin: germline.

PreventionGenetics, part of Exact Sciences
Classification: Likely benign for WRN-related condition. Last evaluated: 2019-09-24. Review status: no assertion criteria provided. Collection method: clinical testing. Allele origin: germline. Not counted in ClinVar's aggregate classification.
Comment: This variant is classified as likely benign based on ACMG/AMP sequence variant interpretation guidelines (Richards et al. 2015 PMID: 25741868, with internal and published modifications).

NM_000553.6(WRN):c.1296C>T (p.Asn432=)

Gene: WRN (WRN RecQ like helicase; plus strand). Cytogenetic location: 8p12.
Variant type: single nucleotide variant.
Coding change: c.1296C>T on transcript NM_000553.6 (MANE Select); coding-DNA position 1296, C replaced by T.
Protein change: p.Asn432=; no amino-acid change (asparagine 432 retained).
Molecular consequence: synonymous variant.
Genome position (GRCh38, 1-based): chr8:31,083,725, C>T. VCF-style: chr8-31083725-C-T. GRCh37 (hg19) VCF-style: chr8-30941241-C-T.
Identifiers: ClinVar variation 695933 (VCV000695933.15), dbSNP rs772082980, ClinGen allele CA4704304.